The following is an entry in ClinVar:

NM_032447.5(FBN3):c.2705T>C (p.Leu902Pro)

Gene: FBN3 (fibrillin 3; minus strand). Cytogenetic location: 19p13.2.
Variant type: single nucleotide variant.
Coding change: c.2705T>C on transcript NM_032447.5 (MANE Select); coding-DNA position 2705, T replaced by C.
Protein change: p.Leu902Pro; replaces leucine 902 with proline.
Molecular consequence: missense variant.
Genome position (GRCh38, 1-based): chr19:8,125,918, A>G on the plus strand (T>C on the coding strand, the complement: FBN3 is on the minus strand). VCF-style: chr19-8125918-A-G. GRCh37 (hg19) VCF-style: chr19-8190802-A-G.
Other names: c.2705T>C, p.Leu902Pro (NM_001321431.2); short protein forms L902P.
Identifiers: ClinVar variation 4743172 (VCV004743172.1).

ClinVar aggregate classification (germline): Uncertain significance (1 of 4 stars; one submission).

Submission:

Labcorp Genetics (formerly Invitae), Labcorp
Classification: Uncertain significance. Last evaluated: 2025-03-24. Review status: criteria provided, single submitter. Criteria: Invitae Variant Classification Sherloc (09022015). Collection method: clinical testing. Allele origin: germline.
Comment: This sequence change replaces leucine, which is neutral and non-polar, with proline, which is neutral and non-polar, at codon 902 of the FBN3 protein (p.Leu902Pro). This variant is not present in population databases (gnomAD no frequency). This variant has not been reported in the literature in individuals affected with FBN3-related conditions. Invitae Evidence Modeling of protein sequence and biophysical properties (such as structural, functional, and spatial information, amino acid conservation, physicochemical variation, residue mobility, and thermodynamic stability) indicates that this missense variant is expected to disrupt FBN3 protein function with a positive predictive value of 80%. In summary, the available evidence is currently insufficient to determine the role of this variant in disease. Therefore, it has been classified as a Variant of Uncertain Significance.